The following is an entry in ClinVar:

NM_000185.4(SERPIND1):c.1325C>T (p.Thr442Met)

Genes: PI4KA (phosphatidylinositol 4-kinase alpha; minus strand), SERPIND1 (serpin family D member 1; plus strand). Cytogenetic location: 22q11.21.
Variant type: single nucleotide variant.
Coding change: c.1325C>T on transcript NM_000185.4 (MANE Select); coding-DNA position 1325, C replaced by T.
Protein change: p.Thr442Met; replaces threonine 442 with methionine.
Molecular consequence: missense variant. On other transcripts: intron variant (3).
Genome position (GRCh38, 1-based): chr22:20,786,891, C>T. VCF-style: chr22-20786891-C-T. GRCh37 (hg19) VCF-style: chr22-21141179-C-T.
Other names: c.2262+6302G>A (NM_001362863.2); c.2328+6302G>A (NM_001362862.2, NM_058004.4); short protein forms T442M.
Identifiers: ClinVar variation 3033976 (VCV003033976.8), dbSNP rs5904, ClinGen allele CA10116109.

ClinVar aggregate classification (germline): Benign. Review status: criteria provided, single submitter (1 of 4 stars). 2 submissions from 2 submitters: Benign (1). 1 of the submissions does not count toward it. Last evaluated 2026-01-01.

Conditions:
SERPIND1-related disorder. Also called: SERPIND1-related condition.

Allele frequency attached by ClinVar (database versions not stated): ExAC 0.00090; 1000 Genomes Project 0.00260; gnomAD 0.00287; 1000 Genomes Project 30x 0.00297; ESP Exome Variant Server 0.00300; TOPMed 0.00334.
gnomAD v4.1: 839 of 1,614,164 alleles (0.052%); highest among the groups gnomAD compares: African/African-American, 0.95%; 5 homozygotes.

Submissions (2):

CeGaT Center for Human Genetics Tuebingen
Classification: Benign. Last evaluated: 2026-01-01. Review status: criteria provided, single submitter. Criteria: CeGaT Center For Human Genetics Tuebingen Variant Classification Criteria Version 2. Collection method: clinical testing. Allele origin: germline. Affected: yes. Observed: 2 variant alleles.
Comment: SERPIND1: BS1, BS2

PreventionGenetics, part of Exact Sciences
Classification: Likely benign for SERPIND1-related condition. Last evaluated: 2023-01-30. Review status: no assertion criteria provided. Collection method: clinical testing. Allele origin: germline. Not counted in ClinVar's aggregate classification.
Comment: This variant is classified as likely benign based on ACMG/AMP sequence variant interpretation guidelines (Richards et al. 2015 PMID: 25741868, with internal and published modifications).